The following is an entry in ClinVar:

NM_006904.7(PRKDC):c.2609T>G (p.Leu870Arg)

Gene: PRKDC (protein kinase, DNA-activated, catalytic subunit; minus strand). Cytogenetic location: 8q11.21.
Variant type: single nucleotide variant.
Coding change: c.2609T>G on transcript NM_006904.7 (MANE Select); coding-DNA position 2609, T replaced by G.
Protein change: p.Leu870Arg; replaces leucine 870 with arginine.
Molecular consequence: missense variant.
Genome position (GRCh38, 1-based): chr8:47,915,336, A>C on the plus strand (T>G on the coding strand, the complement: PRKDC is on the minus strand). VCF-style: chr8-47915336-A-C. GRCh37 (hg19) VCF-style: chr8-48827896-A-C.
Other names: c.2609T>G, p.Leu870Arg (NM_001081640.2); short protein forms L870R.
Identifiers: ClinVar variation 1062929 (VCV001062929.8), dbSNP rs2154502876, ClinGen allele CA371159771.
Genomic context (GRCh38, chr8:47,915,336, plus strand): 5'-AATAAAAGCACAAATATATCTACAGAGGTTATTTATTTTAAAAGAAGTTTACCTGTCAGA[A>C]GATTTTTGTTTATTTGTCCTCCTAGAGATCCAAGCATTTGTACTACTCTAATTCTTATTT-3'
Protein context (NP_008835.5, residues 860-880): GSLGGQINKN[Leu870Arg]LTVTSSDEMM

ClinVar aggregate classification (germline): Uncertain significance. Review status: criteria provided, multiple submitters, no conflicts (2 of 4 stars). 2 submissions from 2 submitters: Uncertain significance (2). Last evaluated 2022-03-03.

Conditions:
Severe combined immunodeficiency due to DNA-PKcs deficiency. Also called: IMMUNODEFICIENCY 26 WITH NEUROLOGIC ABNORMALITIES; Immunodeficiency 26 with or without neurologic abnormalities. Identifiers: Orphanet 317425, MedGen C4014833, MONDO:0014423, OMIM 615966.

Submissions (2):

Blueprint Genetics
Classification: Uncertain significance. Last evaluated: 2022-03-03. Review status: criteria provided, single submitter. Criteria: ACMG Guidelines, 2015. Collection method: clinical testing. Allele origin: germline.

Labcorp Genetics (formerly Invitae), Labcorp
Classification: Uncertain significance for Severe combined immunodeficiency due to DNA-PKcs deficiency. Last evaluated: 2020-09-19. Review status: criteria provided, single submitter. Criteria: Invitae Variant Classification Sherloc (09022015). Collection method: clinical testing. Allele origin: germline.
Comment: In summary, the available evidence is currently insufficient to determine the role of this variant in disease. Therefore, it has been classified as a Variant of Uncertain Significance. Experimental studies and prediction algorithms are not available or were not evaluated, and the functional significance of this variant is currently unknown. This variant has not been reported in the literature in individuals with PRKDC-related conditions. This variant is not present in population databases (ExAC no frequency). This sequence change replaces leucine with arginine at codon 870 of the PRKDC protein (p.Leu870Arg). The leucine residue is moderately conserved and there is a moderate physicochemical difference between leucine and arginine.